The following is an entry in ClinVar:

ClinVar aggregate classification (germline): Benign/Likely benign. Review status: criteria provided, multiple submitters, no conflicts (2 of 4 stars). 5 submissions from 5 submitters: Benign (1); Likely benign (3). 1 of the submissions does not count toward it. Last evaluated 2026-01-24.

Conditions:
KCNJ10-related disorder. Also called: KCNJ10-related disorders; KCNJ10-related condition. Identifiers: MedGen CN239321.
EAST syndrome (SESAMES). Also called: SEIZURES, SENSORINEURAL DEAFNESS, ATAXIA, IMPAIRED INTELLECTUAL DEVELOPMENT, AND ELECTROLYTE IMBALANCE. Identifiers: Orphanet 199343, MedGen C2748572, MONDO:0013005, OMIM 612780.
Autosomal recessive nonsyndromic hearing loss 4 (DFNB4). Also called: FOXI1-Related Pendred Syndrome; KCNJ10-Related Pendred Syndrome; DEAFNESS, AUTOSOMAL RECESSIVE 4, WITH ENLARGED VESTIBULAR AQUEDUCT, DIGENIC; NEUROSENSORY NONSYNDROMIC RECESSIVE DEAFNESS 4; Deafness, autosomal recessive 4, with enlarged vestibular aqueduct; Nonsyndromic enlarged vestibular aqueduct (NSEVA). Identifiers: Orphanet 90636, MedGen C3538946, MONDO:0010933, OMIM 600791.
Pendred syndrome (PDS). Also called: Pendred's syndrome; THYROID DYSHORMONOGENESIS 2B; THYROID HORMONOGENESIS, GENETIC DEFECT IN, 2B; DEAFNESS WITH GOITER; GOITER-DEAFNESS SYNDROME; Pendred Syndrome (PDS). Identifiers: Orphanet 705, MedGen C0271829, MONDO:0010134, OMIM 274600.

Allele frequency attached by ClinVar (database versions not stated): ExAC 0.00002; gnomAD 0.00002 and 0.00003; TOPMed 0.00002; gnomAD exomes 0.00007.
gnomAD v4.1: 55 of 1,614,152 alleles (0.0034%); highest among the groups gnomAD compares: East Asian, 0.016%; no homozygotes.

Submissions (5):

Labcorp Genetics (formerly Invitae), Labcorp
Classification: Likely benign for EAST syndrome. Last evaluated: 2026-01-24. Review status: criteria provided, single submitter. Criteria: Invitae Variant Classification Sherloc (09022015). Collection method: clinical testing. Allele origin: germline.

Blueprint Genetics
Classification: Likely benign. Last evaluated: 2024-09-27. Review status: criteria provided, single submitter. Criteria: ACMG Guidelines, 2015. Collection method: clinical testing. Allele origin: germline.

Fulgent Genetics
Classification: Likely benign for Pendred syndrome; Autosomal recessive nonsyndromic hearing loss 4; EAST syndrome. Last evaluated: 2022-04-22. Review status: criteria provided, single submitter. Criteria: ACMG Guidelines, 2015. Collection method: clinical testing. Allele origin: unknown.

GeneDx
Classification: Benign. Last evaluated: 2015-03-17. Review status: criteria provided, single submitter. Criteria: GeneDx Variant Classification (06012015). Collection method: clinical testing. Allele origin: germline. Affected: yes.
Comment: This variant is considered likely benign or benign based on one or more of the following criteria: it is a conservative change, it occurs at a poorly conserved position in the protein, it is predicted to be benign by multiple in silico algorithms, and/or has population frequency not consistent with disease.

PreventionGenetics, part of Exact Sciences
Classification: Likely benign for KCNJ10-related condition. Last evaluated: 2019-04-16. Review status: no assertion criteria provided. Collection method: clinical testing. Allele origin: germline. Not counted in ClinVar's aggregate classification.
Comment: This variant is classified as likely benign based on ACMG/AMP sequence variant interpretation guidelines (Richards et al. 2015 PMID: 25741868, with internal and published modifications).

NM_002241.5(KCNJ10):c.927C>T (p.Tyr309=)

Gene: KCNJ10 (potassium inwardly rectifying channel subfamily J member 10; minus strand). Cytogenetic location: 1q23.2.
Variant type: single nucleotide variant.
Coding change: c.927C>T on transcript NM_002241.5 (MANE Select); coding-DNA position 927, C replaced by T.
Protein change: p.Tyr309=; no amino-acid change (tyrosine 309 retained).
Molecular consequence: synonymous variant.
Genome position (GRCh38, 1-based): chr1:160,041,606, G>A on the plus strand (C>T on the coding strand, the complement: KCNJ10 is on the minus strand). VCF-style: chr1-160041606-G-A. GRCh37 (hg19) VCF-style: chr1-160011396-G-A.
Identifiers: ClinVar variation 516125 (VCV000516125.16), dbSNP rs775091787, ClinGen allele CA1193189.